The following is an entry in ClinVar:

NM_000069.3(CACNA1S):c.2835C>T (p.Ile945=)

Gene: CACNA1S (calcium voltage-gated channel subunit alpha1 S; minus strand). Cytogenetic location: 1q32.1.
Variant type: single nucleotide variant.
Coding change: c.2835C>T on transcript NM_000069.3 (MANE Select); coding-DNA position 2835, C replaced by T.
Protein change: p.Ile945=; no amino-acid change (isoleucine 945 retained).
Molecular consequence: synonymous variant.
Genome position (GRCh38, 1-based): chr1:201,065,856, G>A on the plus strand (C>T on the coding strand, the complement: CACNA1S is on the minus strand). VCF-style: chr1-201065856-G-A. GRCh37 (hg19) VCF-style: chr1-201034984-G-A.
Identifiers: ClinVar variation 387557 (VCV000387557.17), dbSNP rs753072795, ClinGen allele CA079309.

ClinVar aggregate classification (germline): Conflicting classifications of pathogenicity. Review status: criteria provided, conflicting classifications (1 of 4 stars). 7 submissions from 7 submitters: Uncertain significance (1); Likely benign (6). Last evaluated 2026-06-01.

Conditions:
Hypokalemic periodic paralysis, type 1. Also called: HypoPP; Hypokalemic Periodic Paralysis Type 1 (AD). Identifiers: Orphanet 681, MedGen C3714580, MONDO:0042979, OMIM 170400.
Malignant hyperthermia, susceptibility to, 5 (MHS5). Also called: CACNA1S-Related Malignant Hyperthermia Susceptibility. Identifiers: Orphanet 423, MedGen C1866077, MONDO:0011163, OMIM 601887.

Allele frequency attached by ClinVar (database versions not stated): ExAC 0.00001; TOPMed 0.00002; gnomAD 0.00003 and 0.00004.
gnomAD v4.1: 38 of 1,613,704 alleles (0.0024%); highest among the groups gnomAD compares: East Asian, 0.0067%; no homozygotes.

Submissions (7):

CeGaT Center for Human Genetics Tuebingen
Classification: Likely benign. Last evaluated: 2026-06-01. Review status: criteria provided, single submitter. Criteria: CeGaT Center For Human Genetics Tuebingen Variant Classification Criteria Version 2. Collection method: clinical testing. Allele origin: germline. Affected: yes. Observed: 1 variant allele.
Comment: CACNA1S: BP4, BP7

Labcorp Genetics (formerly Invitae), Labcorp
Classification: Likely benign for Hypokalemic periodic paralysis, type 1; Malignant hyperthermia, susceptibility to, 5. Last evaluated: 2025-05-09. Review status: criteria provided, single submitter. Criteria: Invitae Variant Classification Sherloc (09022015). Collection method: clinical testing. Allele origin: germline.

Blueprint Genetics
Classification: Likely benign. Last evaluated: 2024-04-17. Review status: criteria provided, single submitter. Criteria: ACMG Guidelines, 2015. Collection method: clinical testing. Allele origin: germline.

All of Us Research Program, National Institutes of Health
Classification: Likely benign for Malignant hyperthermia, susceptibility to, 5. Last evaluated: 2023-10-02. Review status: criteria provided, single submitter. Criteria: ACMG Guidelines, 2015. Collection method: clinical testing. Allele origin: germline. Inheritance: Autosomal dominant inheritance. Observed: 3 variant alleles, 3 heterozygotes.
Comment: This study involves interpretation of variants in research participants for the purpose of population health screening. Participant phenotype was not available at the time of variant classification. Additional details can be found in publication PMID: 35346344, PMCID: PMC8962531

Color Diagnostics, LLC DBA Color Health
Classification: Likely benign for Malignant hyperthermia, susceptibility to, 5. Last evaluated: 2022-12-06. Review status: criteria provided, single submitter. Criteria: ACMG Guidelines, 2015. Collection method: clinical testing. Allele origin: germline.

Illumina Laboratory Services, Illumina
Classification: Uncertain significance for Hypokalemic periodic paralysis, type 1. Last evaluated: 2018-01-12. Review status: criteria provided, single submitter. Criteria: ICSL Variant Classification Criteria 13 December 2019. Collection method: clinical testing. Allele origin: germline.

GeneDx
Classification: Likely benign. Last evaluated: 2016-07-26. Review status: criteria provided, single submitter. Criteria: GeneDx Variant Classification (06012015). Collection method: clinical testing. Allele origin: germline. Affected: yes.
Comment: This variant is considered likely benign or benign based on one or more of the following criteria: it is a conservative change, it occurs at a poorly conserved position in the protein, it is predicted to be benign by multiple in silico algorithms, and/or has population frequency not consistent with disease.